The following is an entry in ClinVar:

NM_006514.4(SCN10A):c.3230G>A (p.Gly1077Glu)

Genes: SCN10A (sodium voltage-gated channel alpha subunit 10; minus strand), LOC110121288 (VISTA enhancer hs2268; plus strand). Cytogenetic location: 3p22.2.
Variant type: single nucleotide variant.
Coding change: c.3230G>A on transcript NM_006514.4 (MANE Select); coding-DNA position 3230, G replaced by A.
Protein change: p.Gly1077Glu; replaces glycine 1077 with glutamic acid.
Molecular consequence: missense variant.
Genome position (GRCh38, 1-based): chr3:38,723,552, C>T on the plus strand (G>A on the coding strand, the complement: SCN10A is on the minus strand). VCF-style: chr3-38723552-C-T. GRCh37 (hg19) VCF-style: chr3-38765043-C-T.
Other names: c.3227G>A, p.Gly1076Glu (NM_001293306.2); c.2936G>A, p.Gly979Glu (NM_001293307.2); short protein forms G1076E, G1077E, G979E.
Identifiers: ClinVar variation 1501613 (VCV001501613.8), dbSNP rs1309415508, ClinGen allele CA352156522.

ClinVar aggregate classification (germline): Uncertain significance (1 of 4 stars; one submission).

Conditions:
Brugada syndrome. Also called: Sudden unexpected nocturnal death syndrome; Sudden unexplained nocturnal death syndrome; Sudden Unexplained Death Syndrome; Sudden Unexplained Nocturnal Death Syndrome (SUNDS). Identifiers: Orphanet 130, MedGen C1142166, MONDO:0015263.

Submission:

Labcorp Genetics (formerly Invitae), Labcorp
Classification: Uncertain significance for Brugada syndrome. Last evaluated: 2021-04-05. Review status: criteria provided, single submitter. Criteria: Invitae Variant Classification Sherloc (09022015). Collection method: clinical testing. Allele origin: germline.
Comment: In summary, the available evidence is currently insufficient to determine the role of this variant in disease. Therefore, it has been classified as a Variant of Uncertain Significance. Algorithms developed to predict the effect of missense changes on protein structure and function (SIFT, PolyPhen-2, Align-GVGD) all suggest that this variant is likely to be tolerated, but these predictions have not been confirmed by published functional studies and their clinical significance is uncertain. This variant has not been reported in the literature in individuals with SCN10A-related conditions. This variant is not present in population databases (ExAC no frequency). This sequence change replaces glycine with glutamic acid at codon 1077 of the SCN10A protein (p.Gly1077Glu). The glycine residue is moderately conserved and there is a moderate physicochemical difference between glycine and glutamic acid.